The following is an entry in ClinVar:

ClinVar aggregate classification (germline): Uncertain significance (1 of 4 stars; one submission).

Submission:

Labcorp Genetics (formerly Invitae), Labcorp
Classification: Uncertain significance. Last evaluated: 2022-06-13. Review status: criteria provided, single submitter. Criteria: Invitae Variant Classification Sherloc (09022015). Collection method: clinical testing. Allele origin: germline.
Comment: This variant is not present in population databases (gnomAD no frequency). This sequence change replaces leucine, which is neutral and non-polar, with methionine, which is neutral and non-polar, at codon 39 of the PSMG2 protein (p.Leu39Met). This variant has not been reported in the literature in individuals affected with PSMG2-related conditions. In summary, the available evidence is currently insufficient to determine the role of this variant in disease. Therefore, it has been classified as a Variant of Uncertain Significance. Algorithms developed to predict the effect of missense changes on protein structure and function are either unavailable or do not agree on the potential impact of this missense change (SIFT: "Tolerated"; PolyPhen-2: "Possibly Damaging"; Align-GVGD: "Class C0").

NM_020232.5(PSMG2):c.115C>A (p.Leu39Met)

Gene: PSMG2 (proteasome assembly chaperone 2; plus strand). Cytogenetic location: 18p11.21.
Variant type: single nucleotide variant.
Coding change: c.115C>A on transcript NM_020232.5 (MANE Select); coding-DNA position 115, C replaced by A.
Protein change: p.Leu39Met; replaces leucine 39 with methionine.
Molecular consequence: missense variant.
Genome position (GRCh38, 1-based): chr18:12,706,607, C>A. VCF-style: chr18-12706607-C-A. GRCh37 (hg19) VCF-style: chr18-12706606-C-A.
Other names: c.22C>A, p.Leu8Met (NM_147163.2); short protein forms L39M, L8M.
Identifiers: ClinVar variation 1481300 (VCV001481300.8), dbSNP rs2145133425, ClinGen allele CA401964833.